The following is an entry in ClinVar:

NM_004655.4(AXIN2):c.674T>G (p.Leu225Arg)

Gene: AXIN2 (axin 2; minus strand). Cytogenetic location: 17q24.1.
Variant type: single nucleotide variant.
Coding change: c.674T>G on transcript NM_004655.4 (MANE Select); coding-DNA position 674, T replaced by G.
Protein change: p.Leu225Arg; replaces leucine 225 with arginine.
Molecular consequence: missense variant.
Genome position (GRCh38, 1-based): chr17:65,557,947, A>C on the plus strand (T>G on the coding strand, the complement: AXIN2 is on the minus strand). VCF-style: chr17-65557947-A-C. GRCh37 (hg19) VCF-style: chr17-63554065-A-C.
Other names: c.674T>G, p.Leu225Arg (NM_001363813.1); short protein forms L225R.
Identifiers: ClinVar variation 2005061 (VCV002005061.4), dbSNP rs2544248352, ClinGen allele CA400680516.
Genomic context (GRCh38, chr17:65,557,947, plus strand): 5'-GGCGAAAGTTTGCACTTGAAGTCGGCACAAGTCCACTCCTCTTCTTCATTCAAGGTGGGG[A>C]GATAGCCACACACGACCTTTAGGCTCCCGAGTCCCCCATTACTCATGTAAGCTGTGTTTT-3'
Protein context (NP_004646.3, residues 215-235): LGSLKVVCGY[Leu225Arg]PTLNEEEEWT

ClinVar aggregate classification (germline): Uncertain significance (1 of 4 stars; one submission).

Conditions:
Oligodontia-cancer predisposition syndrome. Also called: TOOTH AGENESIS-COLORECTAL CANCER SYNDROME. Identifiers: Orphanet 300576, MedGen C1837750, MONDO:0012075, OMIM 608615. Disease mechanism: loss of function.

Submission:

Labcorp Genetics (formerly Invitae), Labcorp
Classification: Uncertain significance for Oligodontia-cancer predisposition syndrome. Last evaluated: 2023-07-06. Review status: criteria provided, single submitter. Criteria: Invitae Variant Classification Sherloc (09022015). Collection method: clinical testing. Allele origin: germline.
Comment: In summary, the available evidence is currently insufficient to determine the role of this variant in disease. Therefore, it has been classified as a Variant of Uncertain Significance. This sequence change replaces leucine, which is neutral and non-polar, with arginine, which is basic and polar, at codon 225 of the AXIN2 protein (p.Leu225Arg). This variant is not present in population databases (gnomAD no frequency). This variant has not been reported in the literature in individuals affected with AXIN2-related conditions. ClinVar contains an entry for this variant (Variation ID: 2005061). Advanced modeling of protein sequence and biophysical properties (such as structural, functional, and spatial information, amino acid conservation, physicochemical variation, residue mobility, and thermodynamic stability) performed at Invitae indicates that this missense variant is expected to disrupt AXIN2 protein function.